The following is an entry in ClinVar:

NM_153717.3(EVC):c.940A>G (p.Met314Val)

Gene: EVC (EvC ciliary complex subunit 1; plus strand). Cytogenetic location: 4p16.2.
Variant type: single nucleotide variant.
Coding change: c.940A>G on transcript NM_153717.3 (MANE Select); coding-DNA position 940, A replaced by G.
Protein change: p.Met314Val; replaces methionine 314 with valine.
Molecular consequence: missense variant.
Genome position (GRCh38, 1-based): chr4:5,748,148, A>G. VCF-style: chr4-5748148-A-G. GRCh37 (hg19) VCF-style: chr4-5749875-A-G.
Other names: c.940A>G, p.Met314Val (NM_001306090.2, NM_001306092.2); short protein forms M314V.
Identifiers: ClinVar variation 1475001 (VCV001475001.7), dbSNP rs557010916, ClinGen allele CA2835946.

ClinVar aggregate classification (germline): Uncertain significance (1 of 4 stars; one submission).

Conditions:
Ellis-van Creveld syndrome (EVC). Also called: EVC-Related Ellis-van Creveld Syndrome; EVC2-Related Ellis-van Creveld Syndrome; MESOECTODERMAL DYSPLASIA; Chondroectodermal dysplasia. Identifiers: Orphanet 289, MedGen C0013903, MONDO:0009162, OMIM 225500.
Curry-Hall syndrome (WAD). Also called: WEYERS ACRODENTAL DYSOSTOSIS. Identifiers: Orphanet 952, MedGen C0457013, MONDO:0008673, OMIM 193530.

Allele frequency attached by ClinVar (database versions not stated): gnomAD exomes below 0.00001; ExAC 0.00001; gnomAD 0.00001; 1000 Genomes Project 30x 0.00016; 1000 Genomes Project 0.00020.
gnomAD v4.1: 5 of 1,614,192 alleles (0.00031%); highest among the groups gnomAD compares: African/African-American, 0.0013%; no homozygotes.

Submission:

Labcorp Genetics (formerly Invitae), Labcorp
Classification: Uncertain significance for Curry-Hall syndrome; Ellis-van Creveld syndrome. Last evaluated: 2021-11-08. Review status: criteria provided, single submitter. Criteria: Invitae Variant Classification Sherloc (09022015). Collection method: clinical testing. Allele origin: germline.
Comment: This sequence change replaces methionine, which is neutral and non-polar, with valine, which is neutral and non-polar, at codon 314 of the EVC protein (p.Met314Val). This variant is present in population databases (rs557010916, gnomAD 0.007%). This variant has not been reported in the literature in individuals affected with EVC-related conditions. Algorithms developed to predict the effect of missense changes on protein structure and function are either unavailable or do not agree on the potential impact of this missense change (SIFT: "Deleterious"; PolyPhen-2: "Benign"; Align-GVGD: "Class C0"). Algorithms developed to predict the effect of sequence changes on RNA splicing suggest that this variant may create or strengthen a splice site. In summary, the available evidence is currently insufficient to determine the role of this variant in disease. Therefore, it has been classified as a Variant of Uncertain Significance.